The following is an entry in ClinVar:

ClinVar aggregate classification (germline): Uncertain significance. Review status: criteria provided, multiple submitters, no conflicts (2 of 4 stars). 2 submissions from 2 submitters: Uncertain significance (2). Last evaluated 2026-05-12.

Conditions:
SPTBN1-related disorder. Also called: SPTBN1-related condition.

Submissions (2):

GeneDx
Classification: Uncertain significance. Last evaluated: 2026-05-12. Review status: criteria provided, single submitter. Criteria: GeneDx Variant Classification Process June 2021. Collection method: clinical testing. Allele origin: germline.
Comment: Not observed at significant frequency in large population cohorts (gnomAD); In silico analysis supports that this missense variant has a deleterious effect on protein structure/function; Has not been previously published as pathogenic or benign to our knowledge

PreventionGenetics, part of Exact Sciences
Classification: Uncertain significance for SPTBN1-related condition. Last evaluated: 2023-01-26. Review status: criteria provided, single submitter. Criteria: ACMG Guidelines, 2015. Collection method: clinical testing. Allele origin: germline.
Comment: The SPTBN1 c.1141T>C variant is predicted to result in the amino acid substitution p.Tyr381His. To our knowledge, this variant has not been reported in the literature or in a large population database, indicating this variant is rare. At this time, the clinical significance of this variant is uncertain due to the absence of conclusive functional and genetic evidence.

NM_003128.3(SPTBN1):c.1141T>C (p.Tyr381His)

Gene: SPTBN1 (spectrin beta, non-erythrocytic 1; plus strand). Cytogenetic location: 2p16.2.
Variant type: single nucleotide variant.
Coding change: c.1141T>C on transcript NM_003128.3 (MANE Select); coding-DNA position 1141, T replaced by C.
Protein change: p.Tyr381His; replaces tyrosine 381 with histidine.
Molecular consequence: missense variant.
Genome position (GRCh38, 1-based): chr2:54,623,555, T>C. VCF-style: chr2-54623555-T-C. GRCh37 (hg19) VCF-style: chr2-54850692-T-C.
Other names: c.1102T>C, p.Tyr368His (NM_178313.3); short protein forms Y368H, Y381H.
Identifiers: ClinVar variation 2630239 (VCV002630239.3), dbSNP rs2549515707, ClinGen allele CA346867288.